The following is an entry in ClinVar:

ClinVar aggregate classification (germline): Uncertain significance (1 of 4 stars; one submission).

Conditions:
Thrombophilia due to protein S deficiency, autosomal recessive (THPH6). Identifiers: Orphanet 743, MedGen C3281092, MONDO:0013791, OMIM 614514. Disease mechanism: loss of function.

gnomAD v4.1: 3 of 1,613,800 alleles (0.00019%); highest among the groups gnomAD compares: Admixed American, 0.005%; no homozygotes.

Submission:

Labcorp Genetics (formerly Invitae), Labcorp
Classification: Uncertain significance for Thrombophilia due to protein S deficiency, autosomal recessive. Last evaluated: 2018-09-21. Review status: criteria provided, single submitter. Criteria: Invitae Variant Classification Sherloc (09022015). Collection method: clinical testing. Allele origin: germline.
Comment: This sequence change replaces lysine with asparagine at codon 208 of the PROS1 protein (p.Lys208Asn). The lysine residue is weakly conserved and there is a moderate physicochemical difference between lysine and asparagine. This variant is not present in population databases (ExAC no frequency). This variant has not been reported in the literature in individuals with PROS1-related disease. Algorithms developed to predict the effect of missense changes on protein structure and function (SIFT, PolyPhen-2, Align-GVGD) all suggest that this variant is likely to be tolerated, but these predictions have not been confirmed by published functional studies and their clinical significance is uncertain. In summary, the available evidence is currently insufficient to determine the role of this variant in disease. Therefore, it has been classified as a Variant of Uncertain Significance.

NM_000313.4(PROS1):c.624G>T (p.Lys208Asn)

Gene: PROS1 (protein S; minus strand). Cytogenetic location: 3q11.1.
Variant type: single nucleotide variant.
Coding change: c.624G>T on transcript NM_000313.4 (MANE Select); coding-DNA position 624, G replaced by T.
Protein change: p.Lys208Asn; replaces lysine 208 with asparagine.
Molecular consequence: missense variant.
Genome position (GRCh38, 1-based): chr3:93,900,907, C>A on the plus strand (G>T on the coding strand, the complement: PROS1 is on the minus strand). VCF-style: chr3-93900907-C-A. GRCh37 (hg19) VCF-style: chr3-93619751-C-A.
Other names: c.720G>T, p.Lys240Asn (NM_001314077.2); short protein forms K208N, K240N.
Identifiers: ClinVar variation 658519 (VCV000658519.5), dbSNP rs1207595576, ClinGen allele CA353673295.
Genomic context (GRCh38, chr3:93,900,907, plus strand): 5'-GCATTCACATTCAAAATCTCCTGGGATGTTCTTGCACACAGCTGTGCCACAAATGCTTGG[C>A]TTCAAAGAGCATTCATCCACATCTATAAATAAAATCACTATATTAAAAAACATTTTTCCC-3'
Protein context (NP_000304.2, residues 198-218): DCKDVDECSL[Lys208Asn]PSICGTAVCK